The following is an entry in ClinVar:

ClinVar aggregate classification (germline): Pathogenic (1 of 4 stars; one submission).

Conditions:
Hereditary hemochromatosis (HFE). Identifiers: MedGen C0392514, MONDO:0006507. Disease mechanism: loss of function.

Submission:

Labcorp Genetics (formerly Invitae), Labcorp
Classification: Pathogenic for Hereditary hemochromatosis. Last evaluated: 2023-08-07. Review status: criteria provided, single submitter. Criteria: Invitae Variant Classification Sherloc (09022015). Collection method: clinical testing. Allele origin: germline.
Comment: For these reasons, this variant has been classified as Pathogenic. This variant has not been reported in the literature in individuals affected with HFE-related conditions. This variant is not present in population databases (gnomAD no frequency). This sequence change creates a premature translational stop signal (p.Tyr280*) in the HFE gene. It is expected to result in an absent or disrupted protein product. Loss-of-function variants in HFE are known to be pathogenic (PMID: 27518069).

Literature cited by the submitters: PubMed 27518069.

NM_000410.4(HFE):c.840T>A (p.Tyr280Ter)

Gene: HFE (homeostatic iron regulator; plus strand). Cytogenetic location: 6p22.2.
Variant type: single nucleotide variant.
Coding change: c.840T>A on transcript NM_000410.4 (MANE Select); coding-DNA position 840, T replaced by A.
Protein change: p.Tyr280Ter; replaces tyrosine 280 with a stop codon.
Molecular consequence: nonsense. On other transcripts: intron variant (1).
Genome position (GRCh38, 1-based): chr6:26,092,908, T>A. VCF-style: chr6-26092908-T-A. GRCh37 (hg19) VCF-style: chr6-26093136-T-A.
Other names: c.840T>A, p.Tyr280Ter (NM_001300749.3, NM_001384164.1); c.831T>A, p.Tyr277Ter (NM_001406751.1); c.576T>A, p.Tyr192Ter (NM_001406752.1, NM_139007.3); c.522T>A, p.Tyr174Ter (NM_139003.3); c.564T>A, p.Tyr188Ter (NM_139004.3); c.798T>A, p.Tyr266Ter (NM_139006.3); c.534T>A, p.Tyr178Ter (NM_139008.3); c.771T>A, p.Tyr257Ter (NM_139009.3); and 2 more; short protein forms Y100*, Y174*, Y178*, Y192*, Y257*, Y277*, Y188*, Y266*.
Identifiers: ClinVar variation 2751130 (VCV002751130.3), dbSNP rs1190990892, ClinGen allele CA363208523.
Genomic context (GRCh38, chr6:26,092,908, plus strand): 5'-GGATGGGACCTACCAGGGCTGGATAACCTTGGCTGTACCCCCTGGGGAAGAGCAGAGATA[T>A]ACGTGCCAGGTGGAGCACCCAGGCCTGGATCAGCCCCTCATTGTGATCTGGGGTATGTGA-3'